The following is an entry in ClinVar:

ClinVar aggregate classification (germline): Pathogenic/Likely pathogenic. Review status: criteria provided, multiple submitters, no conflicts (2 of 4 stars). 3 submissions from 3 submitters: Pathogenic (2); Likely pathogenic (1). Last evaluated 2025-06-20.

Conditions:
Familial cancer of breast. Also called: BREAST CANCER, FAMILIAL; Hereditary breast cancer; hereditary breast carcinoma. Identifiers: Orphanet 227535, MedGen C0346153, MONDO:0016419, OMIM 114480. Disease mechanism: loss of function.
Ataxia-telangiectasia syndrome (AT). Also called: Ataxia-telangiectasia; LOUIS-BAR SYNDROME; AT, COMPLEMENTATION GROUP C; Ataxia-telangiectasia, complementation group E; Ataxia telangiectasia (A-T); Cerebello-oculocutaneous telangiectasia. Identifiers: Orphanet 100, MedGen C0004135, MONDO:0008840, OMIM 208900.

Submissions (3):

Labcorp Genetics (formerly Invitae), Labcorp
Classification: Pathogenic for Ataxia-telangiectasia syndrome. Last evaluated: 2025-06-20. Review status: criteria provided, single submitter. Criteria: Invitae Variant Classification Sherloc (09022015). Collection method: clinical testing. Allele origin: germline.
Comment: This sequence change creates a premature translational stop signal (p.Tyr1763Phefs*2) in the ATM gene. It is expected to result in an absent or disrupted protein product. Loss-of-function variants in ATM are known to be pathogenic (PMID: 23807571, 25614872). This variant is not present in population databases (gnomAD no frequency). This variant has not been reported in the literature in individuals affected with ATM-related conditions. ClinVar contains an entry for this variant (Variation ID: 1451053). Studies have shown that this premature translational stop signal is associated with inconclusive levels of altered splicing (internal data). For these reasons, this variant has been classified as Pathogenic.

Natera, Inc.
Classification: Likely pathogenic for Ataxia-telangiectasia. Last evaluated: 2024-04-08. Review status: criteria provided, single submitter. Criteria: Natera Variant Classification Schema (03/2026). Collection method: clinical testing. Allele origin: germline.
Comment: The c.5288_5298delATCTACAGCCT variant in ATM is a frameshift variant predicted to shift the reading frame beginning at codon 1763 and leads to a stop codon 2 codons downstream. This variant is expected to result in nonsense mediated decay, truncation, or a dysfunctional protein product. This variant is rare in the general population with a frequency below the threshold expected for the associated phenotype(s). Given the available evidence, this variant is classified as Likely Pathogenic.

Myriad Genetics, Inc.
Classification: Pathogenic for Familial cancer of breast. Last evaluated: 2024-01-25. Review status: criteria provided, single submitter. Criteria: Myriad Autosomal Dominant, Autosomal Recessive and X-Linked Classification Criteria (2023). Collection method: clinical testing. Allele origin: unknown.
Comment: This variant is considered pathogenic. This variant creates a frameshift predicted to result in premature protein truncation.

Literature cited by the submitters: PubMed 23807571 (cited by Labcorp Genetics (formerly Invitae), Labcorp); PubMed 25614872 (cited by Labcorp Genetics (formerly Invitae), Labcorp).

NM_000051.4(ATM):c.5288_5298del (p.Tyr1763fs)

Gene: ATM (ATM serine/threonine kinase; plus strand). Cytogenetic location: 11q22.3.
Variant type: Deletion.
Coding change: c.5288_5298del on transcript NM_000051.4 (MANE Select); coding-DNA positions 5288 to 5298, 11 bases deleted (ATCTACAGCCT).
Protein change: p.Tyr1763fs; shifts the reading frame from tyrosine 1763.
Molecular consequence: frameshift variant.
Genome position (GRCh38, 1-based): chr11:108,301,758-108,301,768, ATCTACAGCCT deleted; deleting any 11 consecutive bases within chr11:108,301,754-108,301,768 gives the same sequence; the c. name uses the placement nearest the transcript's 3' end. VCF-style (leftmost placement, unchanged base first): chr11-108301753-GGCCTATCTACA-G. GRCh37 (hg19) VCF-style: chr11-108172480-GGCCTATCTACA-G.
Other names: c.5288_5298delATCTACAGCCT (NM_000051.3); c.5288_5298del, p.Tyr1763fs (NM_001351834.2); short protein forms Y1763fs.
Identifiers: ClinVar variation 1451053 (VCV001451053.8), dbSNP rs2135914733, ClinGen allele CA2573146556.